The following is an entry in ClinVar:

ClinVar aggregate classification (germline): Uncertain significance (1 of 4 stars; one submission).

Allele frequency attached by ClinVar (database versions not stated): TOPMed below 0.00001; gnomAD exomes 0.00001.
gnomAD v4.1: 9 of 1,207,760 alleles (0.00075%); highest among the groups gnomAD compares: Non-Finnish European, 0.001%; no homozygotes.

Submission:

Mayo Clinic Laboratories, Mayo Clinic
Classification: Uncertain significance. Last evaluated: 2022-01-10. Review status: criteria provided, single submitter. Criteria: ACMG Guidelines, 2015. Collection method: clinical testing. Allele origin: germline. Observed: 1 variant allele.
Comment: BP5

NM_002578.5(PAK3):c.574G>A (p.Ala192Thr)

Gene: PAK3 (p21 (RAC1) activated kinase 3; plus strand). Cytogenetic location: Xq23.
Variant type: single nucleotide variant.
Coding change: c.574G>A on transcript NM_002578.5 (MANE Select); coding-DNA position 574, G replaced by A.
Protein change: p.Ala192Thr; replaces alanine 192 with threonine.
Molecular consequence: missense variant. On other transcripts: non-coding transcript variant (2).
Genome position (GRCh38, 1-based): chrX:111,163,020, G>A. VCF-style: chrX-111163020-G-A. GRCh37 (hg19) VCF-style: chrX-110406248-G-A.
Other names: p.Ala192Thr; c.574G>A, p.Ala192Thr (NM_001128166.3, NM_001128167.3, NM_001324325.2 and 5 more transcripts); c.682G>A, p.Ala228Thr (NM_001128168.3); c.637G>A, p.Ala213Thr (NM_001128172.2); c.619G>A, p.Ala207Thr (NM_001128173.3, NM_001324327.2, NM_001324328.2 and 2 more transcripts); short protein forms A192T, A207T, A213T, A228T.
Identifiers: ClinVar variation 2683595 (VCV002683595.1), dbSNP rs1029470602, ClinGen allele CA334401930.